The following is an entry in ClinVar:

NM_004655.4(AXIN2):c.1058C>A (p.Pro353Gln)

Gene: AXIN2 (axin 2; minus strand). Cytogenetic location: 17q24.1.
Variant type: single nucleotide variant.
Coding change: c.1058C>A on transcript NM_004655.4 (MANE Select); coding-DNA position 1058, C replaced by A.
Protein change: p.Pro353Gln; replaces proline 353 with glutamine.
Molecular consequence: missense variant.
Genome position (GRCh38, 1-based): chr17:65,541,456, G>T on the plus strand (C>A on the coding strand, the complement: AXIN2 is on the minus strand). VCF-style: chr17-65541456-G-T. GRCh37 (hg19) VCF-style: chr17-63537574-G-T.
Other names: c.1058C>A (NM_004655.3); c.1058C>A, p.Pro353Gln (NM_001363813.1); short protein forms P353Q.
Identifiers: ClinVar variation 1034709 (VCV001034709.12), dbSNP rs771677461, ClinGen allele CA400679045.
Genomic context (GRCh38, chr17:65,541,456, plus strand): 5'-TTTCTTTAGGACTCAACATGGCAGAAAACAGCTGTCTCCTCACTCCAGACTGTACTCACC[G>T]GGAAATGAGGTAGAGACACTTGGCCATTGGCCTTCACACTGCGATGCATTTCTCTCTGGA-3'
Protein context (NP_004646.3, residues 343-363): ANGQVSLPHF[Pro353Gln]RTHRLPKEMT

ClinVar aggregate classification (germline): Uncertain significance. Review status: criteria provided, multiple submitters, no conflicts (2 of 4 stars). 3 submissions from 3 submitters: Uncertain significance (3). Last evaluated 2025-12-12.

Conditions:
Hereditary cancer-predisposing syndrome. Also called: Hereditary neoplastic syndrome; Neoplastic Syndromes, Hereditary; Tumor predisposition; Hereditary Cancer Syndrome. Identifiers: Orphanet 140162, MedGen C0027672, MeSH D009386, MONDO:0015356.
Oligodontia-cancer predisposition syndrome. Also called: TOOTH AGENESIS-COLORECTAL CANCER SYNDROME. Identifiers: Orphanet 300576, MedGen C1837750, MONDO:0012075, OMIM 608615. Disease mechanism: loss of function.

Submissions (3):

Women's Health and Genetics/Laboratory Corporation of America, LabCorp
Classification: Uncertain significance. Last evaluated: 2025-12-12. Review status: criteria provided, single submitter. Criteria: LabCorp Variant Classification Summary - May 2015. Collection method: clinical testing. Allele origin: germline.

Ambry Genetics
Classification: Uncertain significance for Hereditary cancer-predisposing syndrome. Last evaluated: 2025-11-24. Review status: criteria provided, single submitter. Criteria: Ambry Variant Classification Scheme 2023. Collection method: clinical testing. Allele origin: germline.
Comment: The p.P353Q variant (also known as c.1058C>A), located in coding exon 3 of the AXIN2 gene, results from a C to A substitution at nucleotide position 1058. The proline at codon 353 is replaced by glutamine, an amino acid with similar properties. This amino acid position is conserved. In addition, this alteration is predicted to be deleterious by in silico analysis. Based on the available evidence, the clinical significance of this variant remains unclear.

Labcorp Genetics (formerly Invitae), Labcorp
Classification: Uncertain significance for Oligodontia-cancer predisposition syndrome. Last evaluated: 2021-08-17. Review status: criteria provided, single submitter. Criteria: Invitae Variant Classification Sherloc (09022015). Collection method: clinical testing. Allele origin: germline.
Comment: In summary, the available evidence is currently insufficient to determine the role of this variant in disease. Therefore, it has been classified as a Variant of Uncertain Significance. Algorithms developed to predict the effect of sequence changes on RNA splicing suggest that this variant may create or strengthen a splice site, but this prediction has not been confirmed by published transcriptional studies. Algorithms developed to predict the effect of missense changes on protein structure and function (SIFT, PolyPhen-2, Align-GVGD) all suggest that this variant is likely to be disruptive, but these predictions have not been confirmed by published functional studies and their clinical significance is uncertain. This variant has not been reported in the literature in individuals with AXIN2-related conditions. This variant is not present in population databases (ExAC no frequency). This sequence change replaces proline with glutamine at codon 353 of the AXIN2 protein (p.Pro353Gln). The proline residue is highly conserved and there is a moderate physicochemical difference between proline and glutamine.